The following is an entry in ClinVar:

ClinVar aggregate classification (germline): Likely pathogenic (1 of 4 stars; one submission).

Conditions:
Dilated cardiomyopathy 1G (CMD1G). Identifiers: Orphanet 154, MedGen C1858763, MONDO:0011400, OMIM 604145.
Autosomal recessive limb-girdle muscular dystrophy type 2J (LGMDR10). Also called: Limb-girdle muscular dystrophy, type 2J; MUSCULAR DYSTROPHY, LIMB-GIRDLE, AUTOSOMAL RECESSIVE 10. Identifiers: Orphanet 140922, MedGen C1837342, MONDO:0012127, OMIM 608807.

Submission:

Labcorp Genetics (formerly Invitae), Labcorp
Classification: Likely pathogenic for Dilated cardiomyopathy 1G; Autosomal recessive limb-girdle muscular dystrophy type 2J. Last evaluated: 2024-09-17. Review status: criteria provided, single submitter. Criteria: Invitae Variant Classification Sherloc (09022015). Collection method: clinical testing. Allele origin: germline.
Comment: This sequence change creates a premature translational stop signal (p.Gln10Hisfs*27) in the TTN gene. While this is not anticipated to result in nonsense mediated decay, it is expected to create a truncated TTN protein. This variant is not present in population databases (gnomAD no frequency). This variant has not been reported in the literature in individuals affected with TTN-related conditions. This variant is located in the Z band of TTN (PMID: 25589632). Truncating variants in this region have been reported in individuals affected with autosomal recessive centronuclear myopathy (PMID: 33449170, internal data). Truncating variants in this region have also been identified in individuals affected with autosomal dominant dilated cardiomyopathy and/or cardio-related conditions (PMID: 27869827, 32964742, internal data). In summary, the currently available evidence indicates that the variant is pathogenic, but additional data are needed to prove that conclusively. Therefore, this variant has been classified as Likely Pathogenic.

Literature cited by the submitters: PubMed 25589632; PubMed 33449170; PubMed 27869827; PubMed 32964742.

NM_001267550.2(TTN):c.30_33del (p.Gln10fs)

Gene: TTN (titin; minus strand). Cytogenetic location: 2q31.2.
Variant type: Deletion.
Coding change: c.30_33del on transcript NM_001267550.2 (MANE Select); coding-DNA positions 30 to 33, 4 bases deleted (GCCG; older notation c.30_33delGCCG).
Protein change: p.Gln10fs; shifts the reading frame from glutamine 10.
Molecular consequence: frameshift variant.
Genome position (GRCh38, 1-based): chr2:178,804,610-178,804,613, CGGC deleted on the plus strand (GCCG on the coding strand, the reverse complement: TTN is on the minus strand). VCF-style (leftmost placement, unchanged base first): chr2-178804609-ACGGC-A. GRCh37 (hg19) VCF-style: chr2-179669336-ACGGC-A.
Other names: c.30_33del, p.Gln10fs (NM_001256850.1, NM_003319.4, NM_133378.4 and 3 more transcripts); short protein forms Q10fs.
Identifiers: ClinVar variation 3756701 (VCV003756701.2).